The following is an entry in ClinVar:

ClinVar aggregate classification (germline): Uncertain significance (1 of 4 stars; one submission).

Allele frequency attached by ClinVar (database versions not stated): gnomAD exomes 0.00001; gnomAD 0.00002; ExAC 0.00003; TOPMed 0.00004.
gnomAD v4.1: 25 of 1,613,690 alleles (0.0015%); highest among the groups gnomAD compares: East Asian, 0.016%; no homozygotes.

Submission:

Ambry Genetics
Classification: Uncertain significance. Last evaluated: 2024-10-21. Review status: criteria provided, single submitter. Criteria: Ambry Variant Classification Scheme 2023. Collection method: clinical testing. Allele origin: germline.
Comment: The p.A506V variant (also known as c.1517C>T), located in coding exon 14 of the RAD54L gene, results from a C to T substitution at nucleotide position 1517. The alanine at codon 506 is replaced by valine, an amino acid with similar properties. This amino acid position is conserved. In addition, the in silico prediction for this alteration is inconclusive. Since supporting evidence is limited at this time, the clinical significance of this alteration remains unclear.

NM_003579.4(RAD54L):c.1517C>T (p.Ala506Val)

Gene: RAD54L (RAD54 like; plus strand). Cytogenetic location: 1p34.1.
Variant type: single nucleotide variant.
Coding change: c.1517C>T on transcript NM_003579.4 (MANE Select); coding-DNA position 1517, C replaced by T.
Protein change: p.Ala506Val; replaces alanine 506 with valine.
Molecular consequence: missense variant.
Genome position (GRCh38, 1-based): chr1:46,273,654, C>T. VCF-style: chr1-46273654-C-T. GRCh37 (hg19) VCF-style: chr1-46739326-C-T.
Other names: c.1517C>T, p.Ala506Val (NM_001142548.2); c.977C>T, p.Ala326Val (NM_001370766.1); short protein forms A326V, A506V.
Identifiers: ClinVar variation 1774337 (VCV001774337.3), dbSNP rs780047827, ClinGen allele CA834632.